The following is an entry in ClinVar:

NM_006231.4(POLE):c.969C>G (p.Thr323=)

Gene: POLE (DNA polymerase epsilon, catalytic subunit; minus strand). Cytogenetic location: 12q24.33.
Variant type: single nucleotide variant.
Coding change: c.969C>G on transcript NM_006231.4 (MANE Select); coding-DNA position 969, C replaced by G.
Protein change: p.Thr323=; no amino-acid change (threonine 323 retained).
Molecular consequence: synonymous variant.
Genome position (GRCh38, 1-based): chr12:132,676,145, G>C on the plus strand (C>G on the coding strand, the complement: POLE is on the minus strand). VCF-style: chr12-132676145-G-C. GRCh37 (hg19) VCF-style: chr12-133252731-G-C.
Identifiers: ClinVar variation 3904259 (VCV003904259.1).

ClinVar aggregate classification (germline): Benign (1 of 4 stars; one submission).

Conditions:
Colorectal cancer, susceptibility to, 12 (CRCS12). Also called: COLORECTAL CANCER, SUSCEPTIBILITY TO, ON CHROMOSOME 12q24. Identifiers: Orphanet 220460, MedGen C3554460, MONDO:0014038, OMIM 615083.

Submission:

Myriad Genetics, Inc.
Classification: Benign for Colorectal cancer, susceptibility to, 12. Last evaluated: 2025-02-07. Review status: criteria provided, single submitter. Criteria: Myriad Autosomal Dominant, Autosomal Recessive and X-Linked Classification Criteria (2023). Collection method: clinical testing. Allele origin: unknown.
Comment: This variant is considered benign. This variant is a silent/synonymous amino acid change and it is not expected to impact splicing.